The following is an entry in ClinVar:

NM_001005273.3(CHD3):c.2918T>C (p.Phe973Ser)

Gene: CHD3 (chromodomain helicase DNA binding protein 3; plus strand). Cytogenetic location: 17p13.1.
Variant type: single nucleotide variant.
Coding change: c.2918T>C on transcript NM_001005273.3 (MANE Select); coding-DNA position 2918, T replaced by C.
Protein change: p.Phe973Ser; replaces phenylalanine 973 with serine.
Molecular consequence: missense variant.
Genome position (GRCh38, 1-based): chr17:7,900,671, T>C. VCF-style: chr17-7900671-T-C. GRCh37 (hg19) VCF-style: chr17-7803989-T-C.
Other names: c.3095T>C, p.Phe1032Ser (NM_001005271.3, NM_001437504.1); c.3083T>C, p.Phe1028Ser (NM_001437507.1, NM_001437508.1, NM_001437509.1); c.2918T>C, p.Phe973Ser (NM_005852.4); short protein forms F1028S, F973S, F1032S.
Identifiers: ClinVar variation 4227781 (VCV004227781.3).

ClinVar aggregate classification (germline): Uncertain significance. Review status: criteria provided, multiple submitters, no conflicts (2 of 4 stars). 2 submissions from 2 submitters: Uncertain significance (2). Last evaluated 2025-10-28.

Conditions:
Inborn genetic diseases. Identifiers: MedGen C0950123, MeSH D030342.
Snijders Blok-Campeau syndrome. Also called: INTELLECTUAL DEVELOPMENTAL DISORDER WITH MACROCEPHALY, SPEECH DELAY, AND DYSMORPHIC FACIES. Identifiers: Orphanet 599082, MedGen C4748701, MONDO:0032600, OMIM 618205.

gnomAD v4.1: 1 of 1,614,066 alleles (0.000062%); highest among the groups gnomAD compares: Non-Finnish European, 0.000085%; no homozygotes.

Submissions (2):

Ambry Genetics
Classification: Uncertain significance for Inborn genetic diseases. Last evaluated: 2025-10-28. Review status: criteria provided, single submitter. Criteria: Ambry Variant Classification Scheme 2023. Collection method: clinical testing. Allele origin: germline.
Comment: The c.3095T>C (p.F1032S) alteration is located in exon 18 (coding exon 18) of the CHD3 gene. This alteration results from a T to C substitution at nucleotide position 3095, causing the phenylalanine (F) at amino acid position 1032 to be replaced by a serine (S). This variant was not reported in population-based cohorts in the Genome Aggregation Database (gnomAD). This amino acid position is highly conserved in available vertebrate species. This missense alteration is located in a region that has a low rate of benign missense variation (Lek, 2016; Firth, 2009). This alteration is predicted to be deleterious by in silico analysis. Based on insufficient or conflicting evidence, the clinical significance of this alteration remains unclear.

Human Genetics Bochum, Ruhr University Bochum
Classification: Uncertain significance for Snijders Blok-Campeau syndrome. Last evaluated: 2025-04-07. Review status: criteria provided, single submitter. Criteria: ACMG Guidelines, 2015. Collection method: clinical testing. Allele origin: germline. Affected: yes.
Comment: ACMG criteria used to clasify this variant: PP3_MOD, PM1_SUP, PM2_SUP, PP2